The following is an entry in ClinVar:

ClinVar aggregate classification (germline): Conflicting classifications of pathogenicity. Review status: criteria provided, conflicting classifications (1 of 4 stars). 9 submissions from 8 submitters: Uncertain significance (2); Likely benign (6). 1 of the submissions does not count toward it. Last evaluated 2026-01-27.

Conditions:
BRAF-related disorder. Also called: BRAF-related condition.
Cardiovascular phenotype. Identifiers: MedGen CN230736.
RASopathy. Also called: Noonan spectrum disorder; rasopathies. Identifiers: Orphanet 536391, MedGen C5555857, MONDO:0021060.
LEOPARD syndrome 3 (LPRD3). Identifiers: Orphanet 500, MedGen C3150971, MONDO:0013380, OMIM 613707.
Noonan syndrome 7 (NS7). Also called: BRAF-Related Noonan Syndrome. Identifiers: Orphanet 648, MedGen C3150970, MONDO:0013379, OMIM 613706.

Allele frequency attached by ClinVar (database versions not stated): ExAC 0.00004; gnomAD 0.00004 and 0.00005; gnomAD exomes 0.00006 and 0.00013; ESP Exome Variant Server 0.00015.
gnomAD v4.1: 200 of 1,612,072 alleles (0.012%); highest among the groups gnomAD compares: Non-Finnish European, 0.016%; no homozygotes.

Submissions (9):

Labcorp Genetics (formerly Invitae), Labcorp
Classification: Likely benign for RASopathy. Last evaluated: 2026-01-27. Review status: criteria provided, single submitter. Criteria: Invitae Variant Classification Sherloc (09022015). Collection method: clinical testing. Allele origin: germline.

Blueprint Genetics
Classification: Likely benign. Last evaluated: 2024-11-15. Review status: criteria provided, single submitter. Criteria: ACMG Guidelines, 2015. Collection method: clinical testing. Allele origin: germline.

CeGaT Center for Human Genetics Tuebingen
Classification: Likely benign. Last evaluated: 2022-07-01. Review status: criteria provided, single submitter. Criteria: CeGaT Center For Human Genetics Tuebingen Variant Classification Criteria Version 2. Collection method: clinical testing. Allele origin: germline. Affected: yes. Observed: 1 variant allele.
Comment: BRAF: BP4, BP7

Ambry Genetics
Classification: Likely benign for Cardiovascular phenotype. Last evaluated: 2019-06-21. Review status: criteria provided, single submitter. Criteria: Ambry Variant Classification Scheme 2023. Collection method: clinical testing. Allele origin: germline.

GeneDx
Classification: Likely benign. Last evaluated: 2019-04-02. Review status: criteria provided, single submitter. Criteria: GeneDx Variant Classification Process June 2021. Collection method: clinical testing. Allele origin: germline. Affected: yes.

Laboratory for Molecular Medicine, Mass General Brigham Personalized Medicine
Classification: Likely benign. Last evaluated: 2018-04-30. Review status: criteria provided, single submitter. Criteria: LMM Criteria. Collection method: clinical testing. Allele origin: germline. Observed: 1 variant allele.
Comment: p.Ser732Ser in Exon 18 of BRAF: This variant is not expected to have clinical si gnificance because it does not alter an amino acid residue, is not located withi n the splice consensus sequence. It has been identified in 9/11716 European chro mosomes by the Genome Aggregation Database (gnomAD. edu/EVS; dbSNP rs142592480). ACMG/AMP Criteria applied: BP4, BP7.

Illumina Laboratory Services, Illumina
Classification: Uncertain significance for Noonan syndrome 7. Last evaluated: 2018-01-12. Review status: criteria provided, single submitter. Criteria: ICSL Variant Classification Criteria 13 December 2019. Collection method: clinical testing. Allele origin: germline.

Illumina Laboratory Services, Illumina
Classification: Uncertain significance for LEOPARD syndrome 3. Last evaluated: 2018-01-12. Review status: criteria provided, single submitter. Criteria: ICSL Variant Classification Criteria 13 December 2019. Collection method: clinical testing. Allele origin: germline.

PreventionGenetics, part of Exact Sciences
Classification: Likely benign for BRAF-related condition. Last evaluated: 2020-09-30. Review status: no assertion criteria provided. Collection method: clinical testing. Allele origin: germline. Not counted in ClinVar's aggregate classification.
Comment: This variant is classified as likely benign based on ACMG/AMP sequence variant interpretation guidelines (Richards et al. 2015 PMID: 25741868, with internal and published modifications).

NM_004333.6(BRAF):c.2196C>G (p.Ser732=)

Gene: BRAF (B-Raf proto-oncogene, serine/threonine kinase; minus strand). Cytogenetic location: 7q34.
Variant type: single nucleotide variant.
Coding change: c.2196C>G on transcript NM_004333.6 (MANE Select); coding-DNA position 2196, C replaced by G.
Protein change: p.Ser732=; no amino-acid change (serine 732 retained).
Molecular consequence: synonymous variant. On other transcripts: intron variant (2).
Genome position (GRCh38, 1-based): chr7:140,734,702, G>C on the plus strand (C>G on the coding strand, the complement: BRAF is on the minus strand). VCF-style: chr7-140734702-G-C. GRCh37 (hg19) VCF-style: chr7-140434502-G-C.
Other names: c.2196C>G, p.Ser732= (NM_001354609.2); c.2316C>G, p.Ser772= (NM_001374244.1, NM_001374258.1); c.2205C>G, p.Ser735= (NM_001378467.1); c.2130C>G, p.Ser710= (NM_001378469.1); c.2094C>G, p.Ser698= (NM_001378470.1); c.2085C>G, p.Ser695= (NM_001378471.1); c.2040C>G, p.Ser680= (NM_001378472.1, NM_001378473.1); c.1932C>G, p.Ser644= (NM_001378475.1); and 1 more.
Identifiers: ClinVar variation 417227 (VCV000417227.52), dbSNP rs142592480, ClinGen allele CA4516523.